The following is an entry in ClinVar:

NM_001042492.3(NF1):c.8138G>A (p.Arg2713Gln)

Gene: NF1 (neurofibromin 1; plus strand). Cytogenetic location: 17q11.2.
Variant type: single nucleotide variant.
Coding change: c.8138G>A on transcript NM_001042492.3 (MANE Select); coding-DNA position 8138, G replaced by A.
Protein change: p.Arg2713Gln; replaces arginine 2713 with glutamine.
Molecular consequence: missense variant.
Genome position (GRCh38, 1-based): chr17:31,358,993, G>A. VCF-style: chr17-31358993-G-A. GRCh37 (hg19) VCF-style: chr17-29686011-G-A.
Other names: c.8075G>A, p.Arg2692Gln (NM_000267.4); short protein forms R2713Q, R2692Q.
Identifiers: ClinVar variation 578922 (VCV000578922.12), dbSNP rs1170836879, ClinGen allele CA399204183.
Genomic context (GRCh38, chr17:31,358,993, plus strand): 5'-TTGCTTGTTATAAGAGTAAAATTTGATTTGTTGCAGGTTTTGGTTTTAATGGCTTGTGGC[G>A]GTTTGCAGGACCGTTTTCAAAGGTAAGAAAATATATTTTTCTCTAACTTTTGGCAAAATG-3'
Protein context (NP_001035957.1, residues 2703-2723): LQSFGFNGLW[Arg2713Gln]FAGPFSKQTQ

ClinVar aggregate classification (germline): Conflicting classifications of pathogenicity. Review status: criteria provided, conflicting classifications (1 of 4 stars). 4 submissions from 4 submitters: Uncertain significance (3); Likely benign (1). Last evaluated 2024-04-22.

Conditions:
Cardiovascular phenotype. Identifiers: MedGen CN230736.
Hereditary cancer-predisposing syndrome. Also called: Hereditary neoplastic syndrome; Tumor predisposition; Hereditary Cancer Syndrome; Neoplastic Syndromes, Hereditary. Identifiers: Orphanet 140162, MedGen C0027672, MeSH D009386, MONDO:0015356.
Neurofibromatosis, type 1 (NF1). Also called: Peripheral type neurofibromatosis; Neurofibromatosis, type I; VON RECKLINGHAUSEN DISEASE; NEUROFIBROMATOSIS, TYPE I, SOMATIC. Identifiers: Orphanet 636, MedGen C0027831, MONDO:0018975, OMIM 162200. Disease mechanism: loss of function.

Allele frequency attached by ClinVar (database versions not stated): gnomAD exomes below 0.00001.
gnomAD v4.1: 2 of 1,613,650 alleles (0.00012%); highest among the groups gnomAD compares: Non-Finnish European, 0.00017%; no homozygotes.

Submissions (4):

Labcorp Genetics (formerly Invitae), Labcorp
Classification: Likely benign for Neurofibromatosis, type 1. Last evaluated: 2024-04-22. Review status: criteria provided, single submitter. Criteria: Invitae Variant Classification Sherloc (09022015). Collection method: clinical testing. Allele origin: germline.

Ambry Genetics
Classification: Uncertain significance for Cardiovascular phenotype; Hereditary cancer-predisposing syndrome. Last evaluated: 2024-01-10. Review status: criteria provided, single submitter. Criteria: Ambry Variant Classification Scheme 2023. Collection method: clinical testing. Allele origin: germline.
Comment: The c.8075G>A (p.R2692Q) alteration is located in exon 55 (coding exon 55) of the NF1 gene. This alteration results from a G to A substitution at nucleotide position 8075, causing the arginine (R) at amino acid position 2692 to be replaced by a glutamine (Q). This variant was not reported in population-based cohorts in the Genome Aggregation Database (gnomAD). This amino acid position is highly conserved in available vertebrate species. The in silico prediction for this alteration is inconclusive. Based on insufficient or conflicting evidence, the clinical significance of this alteration remains unclear.

GeneDx
Classification: Uncertain significance. Last evaluated: 2022-12-19. Review status: criteria provided, single submitter. Criteria: GeneDx Variant Classification Process June 2021. Collection method: clinical testing. Allele origin: germline. Affected: yes.
Comment: Not observed at significant frequency in large population cohorts (gnomAD); In silico analysis supports that this missense variant has a deleterious effect on protein structure/function; Has not been previously published as pathogenic or benign to our knowledge; This variant is associated with the following publications: (PMID: 25486365, 29285234)

Genome-Nilou Lab
Classification: Uncertain significance for Neurofibromatosis, type 1. Last evaluated: 2022-03-15. Review status: criteria provided, single submitter. Criteria: ACMG Guidelines, 2015. Collection method: clinical testing. Allele origin: germline. Affected: no.